The following is an entry in ClinVar:

ClinVar aggregate classification (germline): Pathogenic/Likely pathogenic/Established risk allele. Review status: criteria provided, multiple submitters, no conflicts (2 of 4 stars). 7 submissions from 7 submitters: Pathogenic (2); Likely pathogenic (4); Established risk allele (1). Last evaluated 2026-03-13.

Conditions:
ABCA4-related disorder. Also called: ABCA4-related disorders; ABCA4-related condition. Identifiers: MedGen CN239167.
Retinal disorder. Also called: Retinopathy; Retinopathies; Retinal Diseases; Retinal disorders. Identifiers: MedGen C0035309, MONDO:0005283, HP:0000488.
Retinal dystrophy. Also called: Inherited retinal dystrophy. Identifiers: Orphanet 71862, MedGen C0854723, MeSH D058499, MONDO:0019118, HP:0000556.
Severe early-childhood-onset retinal dystrophy (STGD1). Also called: STGD; Stargardt macular dystrophy; Juvenile onset macular degeneration; Stargardt disease 1; MACULAR DYSTROPHY WITH FLECKS, TYPE 1. Identifiers: Orphanet 364055, Orphanet 827, MedGen C1855465, MeSH D000080362, MONDO:0009549, OMIM 248200.
Retinitis pigmentosa (RP). Identifiers: Orphanet 791, MedGen C0035334, MeSH D012174, MONDO:0019200, OMIM 268000. Inheritance: Autosomal dominant, autosomal recessive and X linked inheritance.

Allele frequency attached by ClinVar (database versions not stated): TOPMed 0.00002.
gnomAD v4.1: 5 of 1,614,124 alleles (0.00031%); highest among the groups gnomAD compares: South Asian, 0.0011%; no homozygotes.

Submissions (7):

Genetics Laboratory, Great Ormond Street Hospital NHS Foundation Trust, North Thames Genomic Laboratory Hub
Classification: Established risk allele for Retinal disorders. Last evaluated: 2026-03-13. Review status: criteria provided, single submitter. Criteria: ACGS Best Practice Guidelines for Variant Classification in Rare Disease 2024 v1.2. Collection method: clinical testing. Allele origin: germline. Affected: yes.
Comment: PM2_moderate, PP3_supporting, PM3_moderate

Labcorp Genetics (formerly Invitae), Labcorp
Classification: Pathogenic. Last evaluated: 2025-08-24. Review status: criteria provided, single submitter. Criteria: Invitae Variant Classification Sherloc (09022015). Collection method: clinical testing. Allele origin: germline.
Comment: This sequence change replaces alanine, which is neutral and non-polar, with valine, which is neutral and non-polar, at codon 1357 of the ABCA4 protein (p.Ala1357Val). This variant is not present in population databases (gnomAD no frequency). This missense change has been observed in individual(s) with Stargardt disease (PMID: 26311262, 32619608; internal data). ClinVar contains an entry for this variant (Variation ID: 969178). Invitae Evidence Modeling of protein sequence and biophysical properties (such as structural, functional, and spatial information, amino acid conservation, physicochemical variation, residue mobility, and thermodynamic stability) indicates that this missense variant is expected to disrupt ABCA4 protein function with a positive predictive value of 95%. This variant disrupts the p.Ala1357 amino acid residue in ABCA4. Other variant(s) that disrupt this residue have been determined to be pathogenic (PMID: 22229821, 23755871, 29847635). This suggests that this residue is clinically significant, and that variants that disrupt this residue are likely to be disease-causing. For these reasons, this variant has been classified as Pathogenic.

3billion
Classification: Likely pathogenic for Severe early-childhood-onset retinal dystrophy. Last evaluated: 2024-12-06. Review status: criteria provided, single submitter. Criteria: ACMG Guidelines, 2015. Collection method: clinical testing. Allele origin: germline. Affected: yes.
Comment: The variant is observed at an extremely low frequency in the gnomAD v4.1.0 dataset (total allele frequency: <0.001%). Predicted Consequence/Location: Missense variant In silico tool predictions suggest damaging effect of the variant on gene or gene product [REVEL: 0.88 (>=0.6, sensitivity 0.68 and specificity 0.92); 3Cnet: 0.70 (>=0.6, sensitivity 0.72 and precision 0.9)]. The same nucleotide change resulting in the same amino acid change has been previously reported as pathogenic/likely pathogenic with strong evidence (ClinVar ID: VCV000969178 /PMID: 26311262). Different missense changes at the same codon (p.Ala1357Glu, p.Ala1357Thr) have been reported as pathogenic/likely pathogenic with strong evidence (ClinVar ID: VCV000623693, VCV000636212 /PMID: 22229821, 23982839). Therefore, this variant is classified as Likely pathogenic according to the recommendation of ACMG/AMP guideline.

Women's Health and Genetics/Laboratory Corporation of America, LabCorp
Classification: Pathogenic for Retinitis pigmentosa. Last evaluated: 2024-09-24. Review status: criteria provided, single submitter. Criteria: LabCorp Variant Classification Summary - May 2015. Collection method: clinical testing. Allele origin: germline.
Comment: Variant summary: ABCA4 c.4070C>T (p.Ala1357Val) results in a non-conservative amino acid change in the encoded protein sequence. Five of five in-silico tools predict a damaging effect of the variant on protein function. The variant was absent in 250020 control chromosomes. c.4070C>T has been reported in the literature in multiple individuals affected with Retinitis Pigmentosa and STGD1 (example, Khan_2020, Tracewska_2019, Zhu_2021). These data indicate that the variant is very likely to be associated with disease. To our knowledge, no experimental evidence demonstrating an impact on protein function has been reported. The following publications have been ascertained in the context of this evaluation (PMID: 32307445, 34321860, 33732702). ClinVar contains an entry for this variant (Variation ID: 969178). Based on the evidence outlined above, the variant was classified as pathogenic.

Institute of Human Genetics, Univ. Regensburg, Univ. Regensburg
Classification: Likely pathogenic for Retinal dystrophy. Last evaluated: 2023-01-01. Review status: criteria provided, single submitter. Criteria: ACMG Guidelines, 2015. Collection method: clinical testing. Allele origin: germline. Affected: yes.

Blueprint Genetics
Classification: Likely pathogenic for ABCA4-related disorders. Last evaluated: 2022-08-29. Review status: criteria provided, single submitter. Criteria: ACMG Guidelines, 2015. Collection method: clinical testing. Allele origin: germline. Affected: yes. Observed: 5 variant alleles.

GeneDx
Classification: Likely pathogenic. Last evaluated: 2019-10-08. Review status: criteria provided, single submitter. Criteria: GeneDx Variant Classification Process June 2021. Collection method: clinical testing. Allele origin: germline. Affected: yes.
Comment: Not observed in large population cohorts (Lek et al., 2016); In silico analysis, which includes protein predictors and evolutionary conservation, supports a deleterious effect; This variant is associated with the following publications: (PMID: 26311262, 32619608)

Literature cited by the submitters: PubMed 26311262 (cited by 3 submitters); PubMed 32619608 (cited by Labcorp Genetics (formerly Invitae), Labcorp and Institute of Human Genetics, Univ. Regensburg, Univ. Regensburg); PubMed 22229821 (cited by Labcorp Genetics (formerly Invitae), Labcorp and 3billion); PubMed 23755871 (cited by Labcorp Genetics (formerly Invitae), Labcorp); PubMed 29847635 (cited by Labcorp Genetics (formerly Invitae), Labcorp); PubMed 32307445 (cited by Women's Health and Genetics/Laboratory Corporation of America, LabCorp and Institute of Human Genetics, Univ. Regensburg, Univ. Regensburg); PubMed 34321860 (cited by Women's Health and Genetics/Laboratory Corporation of America, LabCorp); PubMed 33732702 (cited by Women's Health and Genetics/Laboratory Corporation of America, LabCorp and Institute of Human Genetics, Univ. Regensburg, Univ. Regensburg); PubMed 35119454 (cited by Institute of Human Genetics, Univ. Regensburg, Univ. Regensburg); PubMed 36460718 (cited by Institute of Human Genetics, Univ. Regensburg, Univ. Regensburg).

NM_000350.3(ABCA4):c.4070C>T (p.Ala1357Val)

Gene: ABCA4 (ATP binding cassette subfamily A member 4; minus strand). Cytogenetic location: 1p22.1.
Variant type: single nucleotide variant.
Coding change: c.4070C>T on transcript NM_000350.3 (MANE Select); coding-DNA position 4070, C replaced by T.
Protein change: p.Ala1357Val; replaces alanine 1357 with valine.
Molecular consequence: missense variant.
Genome position (GRCh38, 1-based): chr1:94,031,836, G>A on the plus strand (C>T on the coding strand, the complement: ABCA4 is on the minus strand). VCF-style: chr1-94031836-G-A. GRCh37 (hg19) VCF-style: chr1-94497392-G-A.
Other names: c.3848C>T, p.Ala1283Val (NM_001425324.1); short protein forms A1357V, A1283V.
Identifiers: ClinVar variation 969178 (VCV000969178.17), dbSNP rs552517556, ClinGen allele CA341286982.
Genomic context (GRCh38, chr1:94,031,836, plus strand): 5'-ACCTGCGCCAGGAAGTCCTTGTGGCTGCGGATGGTGTGTTGGAATCTCTTGACCAGCAGC[G>A]CCTGCACATGCTGGAGGACCAGCTGTGTCCCCGTGTTGAGCTGCGGGCCTGGGCACTCTG-3'
Protein context (NP_000341.2, residues 1347-1367): GTQLVLQHVQ[Ala1357Val]LLVKRFQHTI